The following is an entry in ClinVar:

ClinVar aggregate classification (germline): Uncertain significance (0 of 4 stars; one submission).

Conditions:
VPS13B-related disorder. Also called: VPS13B-related condition.

gnomAD v4.1: 10 of 1,613,884 alleles (0.00062%); highest among the groups gnomAD compares: Middle Eastern, 0.017%; no homozygotes.

Submission:

PreventionGenetics, part of Exact Sciences
Classification: Uncertain significance for VPS13B-related condition. Last evaluated: 2023-12-26. Review status: no assertion criteria provided. Collection method: clinical testing. Allele origin: germline.
Comment: The VPS13B c.9571G>A variant is predicted to result in the amino acid substitution p.Ala3191Thr. To our knowledge, this variant has not been reported in the literature. This variant is reported in 0.0033% of alleles in individuals of South Asian descent in gnomAD. At this time, the clinical significance of this variant is uncertain due to the absence of conclusive functional and genetic evidence.

NM_152564.5(VPS13B):c.9571G>A (p.Ala3191Thr)

Gene: VPS13B (vacuolar protein sorting 13 homolog B; plus strand). Cytogenetic location: 8q22.2.
Variant type: single nucleotide variant.
Coding change: c.9571G>A on transcript NM_152564.5 (MANE Select); coding-DNA position 9571, G replaced by A.
Protein change: p.Ala3191Thr; replaces alanine 3191 with threonine.
Molecular consequence: missense variant.
Genome position (GRCh38, 1-based): chr8:99,832,609, G>A. VCF-style: chr8-99832609-G-A. GRCh37 (hg19) VCF-style: chr8-100844837-G-A.
Other names: c.9646G>A, p.Ala3216Thr (NM_017890.5); short protein forms A3191T, A3216T.
Identifiers: ClinVar variation 3349763 (VCV003349763.1).